The following is an entry in ClinVar:

NM_001113491.2(SEPTIN9):c.329T>C (p.Leu110Pro)

Gene: SEPTIN9 (septin 9; plus strand). Cytogenetic location: 17q25.3.
Variant type: single nucleotide variant.
Coding change: c.329T>C on transcript NM_001113491.2 (MANE Select); coding-DNA position 329, T replaced by C.
Protein change: p.Leu110Pro; replaces leucine 110 with proline.
Molecular consequence: missense variant. On other transcripts: 5 prime UTR variant (2).
Genome position (GRCh38, 1-based): chr17:77,402,311, T>C. VCF-style: chr17-77402311-T-C. GRCh37 (hg19) VCF-style: chr17-75398393-T-C.
Other names: c.-164T>C (NM_001113492.2, NM_001113494.1); c.308T>C, p.Leu103Pro (NM_001113493.2); c.272T>C, p.Leu91Pro (NM_001293695.2); c.275T>C, p.Leu92Pro (NM_006640.5); short protein forms L103P, L110P, L91P, L92P.
Identifiers: ClinVar variation 3707939 (VCV003707939.2).

ClinVar aggregate classification (germline): Uncertain significance (1 of 4 stars; one submission).

Submission:

Labcorp Genetics (formerly Invitae), Labcorp
Classification: Uncertain significance. Last evaluated: 2024-10-16. Review status: criteria provided, single submitter. Criteria: Invitae Variant Classification Sherloc (09022015). Collection method: clinical testing. Allele origin: germline.
Comment: This sequence change replaces leucine, which is neutral and non-polar, with proline, which is neutral and non-polar, at codon 92 of the SEPT9 protein (p.Leu92Pro). This variant is not present in population databases (gnomAD no frequency). This variant has not been reported in the literature in individuals affected with SEPT9-related conditions. Invitae Evidence Modeling of protein sequence and biophysical properties (such as structural, functional, and spatial information, amino acid conservation, physicochemical variation, residue mobility, and thermodynamic stability) indicates that this missense variant is not expected to disrupt SEPT9 protein function with a negative predictive value of 80%. In summary, the available evidence is currently insufficient to determine the role of this variant in disease. Therefore, it has been classified as a Variant of Uncertain Significance.